The following is an entry in ClinVar:

ClinVar aggregate classification (germline): Uncertain significance (1 of 4 stars; one submission).

Conditions:
Combined immunodeficiency due to STIM1 deficiency. Also called: STIM1 DEFICIENCY; IMMUNODEFICIENCY 10. Identifiers: Orphanet 169090, Orphanet 317430, MedGen C2748557, MONDO:0013008, OMIM 612783.
Stormorken syndrome (STRMK). Also called: THROMBOCYTOPATHY, ASPLENIA, AND MIOSIS. Identifiers: Orphanet 3204, MedGen C1861451, MONDO:0008497, OMIM 185070.
Myopathy with tubular aggregates (TAM). Also called: Tubular Aggregate Myopathy. Identifiers: Orphanet 2593, MedGen C0410207, MONDO:0008051.

Allele frequency attached by ClinVar (database versions not stated): ExAC 0.00001; gnomAD 0.00001; gnomAD exomes 0.00001; TOPMed 0.00001; ESP Exome Variant Server 0.00008.
gnomAD v4.1: 7 of 1,614,028 alleles (0.00043%); highest among the groups gnomAD compares: African/African-American, 0.0027%; no homozygotes.

Submission:

Labcorp Genetics (formerly Invitae), Labcorp
Classification: Uncertain significance for Myopathy with tubular aggregates; Combined immunodeficiency due to STIM1 deficiency; Stormorken syndrome. Last evaluated: 2024-12-20. Review status: criteria provided, single submitter. Criteria: Invitae Variant Classification Sherloc (09022015). Collection method: clinical testing. Allele origin: germline.
Comment: This sequence change replaces aspartic acid, which is acidic and polar, with asparagine, which is neutral and polar, at codon 657 of the STIM1 protein (p.Asp657Asn). This variant is present in population databases (rs142357642, gnomAD 0.007%). This variant has not been reported in the literature in individuals affected with STIM1-related conditions. ClinVar contains an entry for this variant (Variation ID: 582365). Invitae Evidence Modeling of protein sequence and biophysical properties (such as structural, functional, and spatial information, amino acid conservation, physicochemical variation, residue mobility, and thermodynamic stability) has been performed for this missense variant. However, the output from this modeling did not meet the statistical confidence thresholds required to predict the impact of this variant on STIM1 protein function. In summary, the available evidence is currently insufficient to determine the role of this variant in disease. Therefore, it has been classified as a Variant of Uncertain Significance.

NM_001382567.1(STIM1):c.2062G>A (p.Asp688Asn)

Genes: STIM1 (stromal interaction molecule 1; plus strand), LOC124418421 (Sharpr-MPRA regulatory region 9588; plus strand). Cytogenetic location: 11p15.4.
Variant type: single nucleotide variant.
Coding change: c.2062G>A on transcript NM_001382567.1 (MANE Select); coding-DNA position 2062, G replaced by A.
Protein change: p.Asp688Asn; replaces aspartic acid 688 with asparagine.
Molecular consequence: missense variant. On other transcripts: 3 prime UTR variant (4), non-coding transcript variant (3).
Genome position (GRCh38, 1-based): chr11:4,091,709, G>A. VCF-style: chr11-4091709-G-A. GRCh37 (hg19) VCF-style: chr11-4112939-G-A.
Other names: c.2287G>A, p.Asp763Asn (NM_001277961.3); c.*383G>A (NM_001277962.2, NM_001382578.1, NM_001382579.1 and 1 more transcripts); c.2065G>A, p.Asp689Asn (NM_001382566.1); c.1990G>A, p.Asp664Asn (NM_001382568.1); c.1834G>A, p.Asp612Asn (NM_001382569.1); c.1741G>A, p.Asp581Asn (NM_001382570.1); c.1489G>A, p.Asp497Asn (NM_001382571.1); c.1747G>A, p.Asp583Asn (NM_001382575.1, NM_001382576.1, NM_001382577.1); and 2 more; short protein forms D657N, D763N, D494N, D497N, D581N, D583N, D612N, D664N.
Identifiers: ClinVar variation 582365 (VCV000582365.8), dbSNP rs142357642, ClinGen allele CA5830657.